The following is an entry in ClinVar:

ClinVar aggregate classification (germline): Pathogenic. Review status: criteria provided, multiple submitters, no conflicts (2 of 4 stars). 12 submissions from 12 submitters: Pathogenic (12). Last evaluated 2026-07-19.

Conditions:
Birt-Hogg-Dube syndrome 1 (BHD1). Also called: FIBROFOLLICULOMAS WITH TRICHODISCOMAS AND ACROCHORDONS. Identifiers: Orphanet 122, MedGen CN375946, MONDO:0800445, OMIM 135150.
Pneumothorax - familial.
Multiple monogenic benign skin tumours.
FLCN-related disorder. Also called: FLCN-related condition.
Hereditary cancer-predisposing syndrome. Also called: Tumor predisposition; Neoplastic Syndromes, Hereditary; Hereditary Cancer Syndrome; Hereditary neoplastic syndrome. Identifiers: Orphanet 140162, MedGen C0027672, MeSH D009386, MONDO:0015356.
Birt-Hogg-Dube syndrome. Also called: Birt Hogg Dubé syndrome. Identifiers: Orphanet 122, MedGen C0346010, MONDO:0800444.

Submissions (12):

Victorian Clinical Genetics Services, Murdoch Childrens Research Institute
Classification: Pathogenic for Birt-Hogg-Dube syndrome 1. Last evaluated: 2026-07-19. Review status: criteria provided, single submitter. Criteria: ACMG Guidelines, 2015. Collection method: clinical testing. Allele origin: germline. Affected: yes.
Comment: This variant is classified as Pathogenic. Evidence in support of pathogenic classification: This variant is predicted to cause nonsense-mediated decay (NMD) and loss of protein (premature termination codon is located at least 54 nucleotides upstream of the final exon-exon junction); This variant is present in gnomAD <0.001 for a dominant condition (v4: 20 heterozygote(s), 0 homozygote(s)); This variant has strong previous evidence of pathogenicity in unrelated individuals. It has been classified as pathogenic by multiple clinical laboratories in ClinVar; Other variants comparable to the one identified in this case have very strong previous evidence for pathogenicity (DECIPHER). Additional information: This variant is heterozygous; This gene is associated with autosomal dominant disease; Loss of function is a known mechanism of disease in this gene and is associated with Birt-Hogg-Dube syndrome 1 (MONDO:0800445); Variants in this gene are known to have variable expressivity (OMIM); Inheritance information for this variant is not currently available in this individual.

Labcorp Genetics (formerly Invitae), Labcorp
Classification: Pathogenic for Birt-Hogg-Dube syndrome. Last evaluated: 2025-11-24. Review status: criteria provided, single submitter. Criteria: Invitae Variant Classification Sherloc (09022015). Collection method: clinical testing. Allele origin: germline.
Comment: This sequence change creates a premature translational stop signal (p.Glu297Alafs*25) in the FLCN gene. It is expected to result in an absent or disrupted protein product. Loss-of-function variants in FLCN are known to be pathogenic (PMID: 15852235). This variant is present in population databases (rs398124541, gnomAD 0.002%). This premature translational stop signal has been observed in individual(s) with Birt-Hogg-Dube (BHD) syndrome, colorectal cancer, and/or renal cell cancer with pulmonary features (PMID: 18794106, 19785621, 27356891, 27470329, 27643397). It has also been observed to segregate with disease in related individuals. This variant is also known as c.1388_1391delAAAG. ClinVar contains an entry for this variant (Variation ID: 96492). For these reasons, this variant has been classified as Pathogenic.

NHS Central & South Genomic Laboratory Hub
Classification: Pathogenic for Pneumothorax - familial. Last evaluated: 2025-10-21. Review status: criteria provided, single submitter. Criteria: ACMG Guidelines, 2015. Collection method: clinical testing. Allele origin: germline. Affected: yes.

Genetics Laboratory, Great Ormond Street Hospital NHS Foundation Trust, North Thames Genomic Laboratory Hub
Classification: Pathogenic for Multiple monogenic benign skin tumours. Last evaluated: 2025-08-08. Review status: criteria provided, single submitter. Criteria: ACGS Best Practice Guidelines for Variant Classification in Rare Disease 2024 v1.2. Collection method: clinical testing. Allele origin: germline. Affected: yes.
Comment: PS4_moderate, PM2_moderate, PVS1_very-strong

Ambry Genetics
Classification: Pathogenic for Hereditary cancer-predisposing syndrome. Last evaluated: 2023-08-02. Review status: criteria provided, single submitter. Criteria: Ambry Variant Classification Scheme 2023. Collection method: clinical testing. Allele origin: germline.
Comment: The c.890_893delAAAG pathogenic mutation, located in coding exon 6 of the FLCN gene, results from a deletion of 4 nucleotides at nucleotide positions 890 to 893, causing a translational frameshift with a predicted alternate stop codon (p.E297Afs*25). This alteration has also been found in one patient from a cohort of patients with early-onset (at or before 55 years-old) familial (including at least one first degree relative) colorectal cancer, who had no personal or family history of renal cancer (Dobbins SE et al. Fam. Cancer, 2016 Jun [Epub ahead of print]). Note that this alteration is also referred to as c.1388_1391delAAAG and c.1345_1348delAAAG in published literature. In addition to the clinical data presented in the literature, this alteration is expected to result in loss of function by premature protein truncation or nonsense-mediated mRNA decay. As such, this alteration is interpreted as a disease-causing mutation.

Myriad Genetics, Inc.
Classification: Pathogenic for Birt-Hogg-Dube syndrome 1. Last evaluated: 2023-07-06. Review status: criteria provided, single submitter. Criteria: Myriad Autosomal Dominant, Autosomal Recessive and X-Linked Classification Criteria (2023). Collection method: clinical testing. Allele origin: unknown.
Comment: This variant is considered pathogenic. This variant creates a frameshift predicted to result in premature protein truncation.

ARUP Laboratories, Molecular Genetics and Genomics, ARUP Laboratories
Classification: Pathogenic. Last evaluated: 2023-02-22. Review status: criteria provided, single submitter. Criteria: ARUP Molecular Germline Variant Investigation Process 2024. Collection method: clinical testing. Allele origin: germline.
Comment: The FLCN c.890_893delAAAG; p.Glu297fs variant (rs398124541), also known as 1388_1391delAAAG, is reported in individuals with Birt-Hogg-Dube syndrome (Dow 2016, Kluger 2010, Sprague 2016, Woodward 2008) and classified as pathogenic in ClinVar (Variation ID: 96492). This variant is only observed on 2 alleles in the Genome Aggregation Database, indicating it is not a common polymorphism. This variant causes a frameshift by deleting 4 nucleotides, so it is predicted to result in a truncated protein or mRNA subject to nonsense-mediated decay. Based on available information, this variant is considered to be pathogenic. REFERENCES Dow E et al. Renal angiomyolipoma in Birt-Hogg-Dube syndrome: A case study supporting overlap with tuberous sclerosis complex. Am J Med Genet A. 2016 Dec;170(12):3323-3326. Kluger N et al. Birt-Hogg-Dube syndrome: clinical and genetic studies of 10 French families. Br J Dermatol. 2010 Mar;162(3):527-37. Sprague J et al. Birt-Hogg-Dube Syndrome Presenting as a Nevus Comedonicus-Like Lesion in an 8-Year-Old Boy. Pediatr Dermatol. 2016 Sep;33(5):e294-5. Woodward ER et al. Familial non-VHL clear cell (conventional) renal cell carcinoma: clinical features, segregation analysis, and mutation analysis of FLCN. Clin Cancer Res. 2008 Sep 15;14(18):5925-30.

PreventionGenetics, part of Exact Sciences
Classification: Pathogenic for FLCN-related condition. Last evaluated: 2022-09-01. Review status: criteria provided, single submitter. Criteria: ACMG Guidelines, 2015. Collection method: clinical testing. Allele origin: germline.
Comment: The FLCN c.890_893delAAAG variant is predicted to result in a frameshift and premature protein termination (p.Glu297Alafs*25). In the literature, this variant is also referred to as c.1388_1391delAAAG (p.Glu297Alafs*321). This variant has been reported in individuals with Birt-Hogg-Dub syndrome (Kluger et al. 2009. PubMed ID: 19785621; Dow et al. 2016. PubMed ID: 27643397; Sprague et al. 2016. PubMed ID: 27470329). This variant, in the heterozygous state, was also reported in an individual who presented with isolated renal cell carcinoma and later developed pulmonary features (Patient 2, Woodward et al. 2008. PubMed ID: 18794106) and in another individual with colorectal cancer (Dobbins et al. 2016. PubMed ID: 27356891). This variant is reported in 0.0018% of alleles in individuals of European (Non-Finnish) descent in gnomAD. Frameshift variants in FLCN are expected to be pathogenic. This variant is interpreted as pathogenic.

Quest Diagnostics Nichols Institute San Juan Capistrano
Classification: Pathogenic. Last evaluated: 2021-12-16. Review status: criteria provided, single submitter. Criteria: Quest Diagnostics criteria. Collection method: clinical testing. Allele origin: unknown.
Comment: This frameshift variant alters the translational reading frame of the FLCN mRNA and causes the premature termination of FLCN protein synthesis. The frequency of this variant in the general population, 0.000018 (2/113764 chromosomes), is consistent with pathogenicity. In the published literature, the variant has been reported in individuals/families with Birt-Hogg-Dube (BHD) syndrome (PMIDs: 19785621 (2010), 27470329 (2016), 27643397 (2016)) as well as an individual with renal cell carcinoma (RCC) (PMID: 18794106 (2008)), and an individual with colorectal cancer (PMID: 27356891 (2016)). Based on the available information, this variant is classified as pathogenic.

GeneDx
Classification: Pathogenic. Last evaluated: 2021-01-27. Review status: criteria provided, single submitter. Criteria: GeneDx Variant Classification Process June 2021. Collection method: clinical testing. Allele origin: germline. Affected: yes.
Comment: Frameshift variant predicted to result in protein truncation or nonsense mediated decay in a gene for which loss-of-function is a known mechanism of disease; Not observed at a significant frequency in large population cohorts (Lek et al., 2016); Identified in patients with Birt-Hogg-Dub syndrome in published literature (Kluger 2010, Dow 2016, Sprague 2016); This variant is associated with the following publications: (PMID: 19785621, 27470329, 27356891, 29138412, 27643397, 18794106)

Genomic Diagnostic Laboratory, Division of Genomic Diagnostics, Children's Hospital of Philadelphia
Classification: Pathogenic for Birt-Hogg-Dube Syndrome. Last evaluated: 2016-07-18. Review status: criteria provided, single submitter. Criteria: DGD Variant Analysis Guidelines. Collection method: clinical testing. Allele origin: germline. Affected: yes. Observed: 1 variant allele.
Comment: Clinical Testing

Eurofins Ntd Llc (ga)
Classification: Pathogenic. Last evaluated: 2013-04-03. Review status: criteria provided, single submitter. Criteria: EGL Classification Definitions 2015. Collection method: clinical testing. Allele origin: germline. Observed: 4 variant alleles, 4 heterozygotes.

Literature cited by the submitters: PubMed 15852235 (cited by Labcorp Genetics (formerly Invitae), Labcorp); PubMed 18794106 (cited by 3 submitters); PubMed 19785621 (cited by 3 submitters); PubMed 27356891 (cited by 3 submitters); PubMed 27470329 (cited by 3 submitters); PubMed 27643397 (cited by Labcorp Genetics (formerly Invitae), Labcorp and Quest Diagnostics Nichols Institute San Juan Capistrano).

NM_144997.7(FLCN):c.890_893del (p.Glu297fs)

Gene: FLCN (folliculin; minus strand). Cytogenetic location: 17p11.2.
Variant type: Deletion.
Coding change: c.890_893del on transcript NM_144997.7 (MANE Select); coding-DNA positions 890 to 893, 4 bases deleted (AAAG; older notation c.890_893delAAAG).
Protein change: p.Glu297fs; shifts the reading frame from glutamic acid 297.
Molecular consequence: frameshift variant.
Genome position (GRCh38, 1-based): chr17:17,219,188-17,219,191, CTTT deleted on the plus strand (AAAG on the coding strand, the reverse complement: FLCN is on the minus strand); deleting any 4 consecutive bases within chr17:17,219,188-17,219,193 gives the same sequence; the c. name uses the placement nearest the transcript's 3' end. VCF-style (leftmost placement, unchanged base first): chr17-17219187-GCTTT-G. GRCh37 (hg19) VCF-style: chr17-17122501-GCTTT-G.
Other names: c.890_893del (LRG_325t1, NM_144997.5, NM_144997.6); c.944_947del, p.Glu315fs (NM_001353229.2); c.890_893del, p.Glu297fs (NM_001353230.2, NM_001353231.2); short protein forms E315fs, E297fs.
Identifiers: ClinVar variation 96492 (VCV000096492.35), dbSNP rs398124541, ClinGen allele CA224180.